The following is an entry in ClinVar:

ClinVar aggregate classification (germline): Pathogenic (1 of 4 stars; one submission).

Submission:

Labcorp Genetics (formerly Invitae), Labcorp
Classification: Pathogenic. Last evaluated: 2024-01-12. Review status: criteria provided, single submitter. Criteria: Invitae Variant Classification Sherloc (09022015). Collection method: clinical testing. Allele origin: germline.
Comment: This sequence change creates a premature translational stop signal (p.Glu154*) in the OCA2 gene. It is expected to result in an absent or disrupted protein product. Loss-of-function variants in OCA2 are known to be pathogenic (PMID: 19865097, 21541274). This variant is not present in population databases (gnomAD no frequency). This variant has not been reported in the literature in individuals affected with OCA2-related conditions. For these reasons, this variant has been classified as Pathogenic.

Literature cited by the submitters: PubMed 19865097; PubMed 21541274.

NM_000275.3(OCA2):c.460G>T (p.Glu154Ter)

Gene: OCA2 (OCA2 melanosomal transmembrane protein; minus strand). Cytogenetic location: 15q13.1.
Variant type: single nucleotide variant.
Coding change: c.460G>T on transcript NM_000275.3 (MANE Select); coding-DNA position 460, G replaced by T.
Protein change: p.Glu154Ter; replaces glutamic acid 154 with a stop codon.
Molecular consequence: nonsense.
Genome position (GRCh38, 1-based): chr15:28,027,926, C>A on the plus strand (G>T on the coding strand, the complement: OCA2 is on the minus strand). VCF-style: chr15-28027926-C-A. GRCh37 (hg19) VCF-style: chr15-28273072-C-A.
Other names: c.460G>T, p.Glu154Ter (NM_001300984.2); short protein forms E154*.
Identifiers: ClinVar variation 2709162 (VCV002709162.3), dbSNP rs746681064, ClinGen allele CA391361920.
Genomic context (GRCh38, chr15:28,027,926, plus strand): 5'-CCTACCTCAGCTTGGAAAGACGGAGTCGGATGTGCGGGCTGTCCAGAAGGTCTCCCTTCT[C>A]GGAGGAGGCAGATGCAGACAGACCAGACACCTCCCTGCTTAGCAGGTATCTTCGCTCCCA-3'